The following is an entry in ClinVar:

NM_032043.3(BRIP1):c.331C>T (p.Pro111Ser)

Gene: BRIP1 (BRCA1 interacting DNA helicase 1; minus strand). Cytogenetic location: 17q23.2.
Variant type: single nucleotide variant.
Coding change: c.331C>T on transcript NM_032043.3 (MANE Select); coding-DNA position 331, C replaced by T.
Protein change: p.Pro111Ser; replaces proline 111 with serine.
Molecular consequence: missense variant.
Genome position (GRCh38, 1-based): chr17:61,857,106, G>A on the plus strand (C>T on the coding strand, the complement: BRIP1 is on the minus strand). VCF-style: chr17-61857106-G-A. GRCh37 (hg19) VCF-style: chr17-59934467-G-A.
Other names: short protein forms P111S.
Identifiers: ClinVar variation 823603 (VCV000823603.4), dbSNP rs1200837936, ClinGen allele CA400485352.

ClinVar aggregate classification (germline): Uncertain significance (1 of 4 stars; one submission).

Conditions:
Hereditary cancer-predisposing syndrome. Also called: Neoplastic Syndromes, Hereditary; Tumor predisposition; Hereditary neoplastic syndrome; Hereditary Cancer Syndrome. Identifiers: Orphanet 140162, MedGen C0027672, MeSH D009386, MONDO:0015356.

Allele frequency attached by ClinVar (database versions not stated): gnomAD exomes below 0.00001.
gnomAD v4.1: 2 of 1,614,126 alleles (0.00012%); highest among the groups gnomAD compares: Admixed American, 0.0017%; no homozygotes.

Submission:

Ambry Genetics
Classification: Uncertain significance for Hereditary cancer-predisposing syndrome. Last evaluated: 2018-08-30. Review status: criteria provided, single submitter. Criteria: Ambry Variant Classification Scheme 2023. Collection method: clinical testing. Allele origin: germline.
Comment: The p.P111S variant (also known as c.331C>T), located in coding exon 3 of the BRIP1 gene, results from a C to T substitution at nucleotide position 331. The proline at codon 111 is replaced by serine, an amino acid with similar properties. This amino acid position is well conserved in available vertebrate species. In addition, this alteration is predicted to be tolerated by in silico analysis. Since supporting evidence is limited at this time, the clinical significance of this alteration remains unclear.